The following is an entry in ClinVar:

ClinVar aggregate classification (germline): Uncertain significance. Review status: criteria provided, single submitter (1 of 4 stars). 2 submissions from 2 submitters: Uncertain significance (1). 1 of the submissions does not count toward it. Last evaluated 2022-01-06.

Conditions:
Joubert syndrome. Also called: Familial aplasia of the vermis; CEREBELLOPARENCHYMAL DISORDER IV; JOUBERT-BOLTSHAUSER SYNDROME. Identifiers: Orphanet 475, MedGen C5979921, MONDO:0018772.
Meckel-Gruber syndrome. Also called: Dysencephalia splachnocystica; DYSENCEPHALIA SPLANCHNOCYSTICA; GRUBER SYNDROME. Identifiers: Orphanet 564, MedGen C0265215, MONDO:0018921.

Allele frequency attached by ClinVar (database versions not stated): 1000 Genomes Project below 0.00001; gnomAD exomes below 0.00001 and 0.00001; ExAC 0.00002.
gnomAD v4.1: 1 of 1,613,754 alleles (0.000062%); highest among the groups gnomAD compares: South Asian, 0.0011%; no homozygotes.

Submissions (2):

Labcorp Genetics (formerly Invitae), Labcorp
Classification: Uncertain significance for Joubert syndrome; Meckel-Gruber syndrome. Last evaluated: 2022-01-06. Review status: criteria provided, single submitter. Criteria: Invitae Variant Classification Sherloc (09022015). Collection method: clinical testing. Allele origin: germline.
Comment: This sequence change replaces proline, which is neutral and non-polar, with arginine, which is basic and polar, at codon 583 of the RPGRIP1L protein (p.Pro583Arg). This variant is present in population databases (rs548348340, gnomAD 0.007%). This variant has not been reported in the literature in individuals affected with RPGRIP1L-related conditions. ClinVar contains an entry for this variant (Variation ID: 999162). Algorithms developed to predict the effect of missense changes on protein structure and function (SIFT, PolyPhen-2, Align-GVGD) all suggest that this variant is likely to be disruptive. In summary, the available evidence is currently insufficient to determine the role of this variant in disease. Therefore, it has been classified as a Variant of Uncertain Significance.

Natera, Inc.
Classification: Uncertain significance for Joubert syndrome. Last evaluated: 2020-04-30. Review status: no assertion criteria provided. Collection method: clinical testing. Allele origin: germline. Not counted in ClinVar's aggregate classification.

NM_015272.5(RPGRIP1L):c.1748C>G (p.Pro583Arg)

Gene: RPGRIP1L (RPGRIP1 like; minus strand). Cytogenetic location: 16q12.2.
Variant type: single nucleotide variant.
Coding change: c.1748C>G on transcript NM_015272.5 (MANE Select); coding-DNA position 1748, C replaced by G.
Protein change: p.Pro583Arg; replaces proline 583 with arginine.
Molecular consequence: missense variant.
Genome position (GRCh38, 1-based): chr16:53,652,939, G>C on the plus strand (C>G on the coding strand, the complement: RPGRIP1L is on the minus strand). VCF-style: chr16-53652939-G-C. GRCh37 (hg19) VCF-style: chr16-53686851-G-C.
Other names: c.1748C>G, p.Pro583Arg (NM_001127897.4, NM_001308334.3, NM_001330538.2); short protein forms P583R.
Identifiers: ClinVar variation 999162 (VCV000999162.3), dbSNP rs548348340, ClinGen allele CA8057710.
Genomic context (GRCh38, chr16:53,652,939, plus strand): 5'-CCTCGTTCTAAGTGGATGGTTTCATCAAATTCATCAACAGAGTCATCTGGCATGATTTCT[G>C]GTTTAAATTTGTACTGCTTGGTGCCATAGGCAATATCCTTTAATTGGGCTGCAAGAGAAG-3'
Protein context (NP_056087.2, residues 573-593): AYGTKQYKFK[Pro583Arg]EIMPDDSVDE